The following is an entry in ClinVar:

NM_005732.4(RAD50):c.692A>T (p.Glu231Val)

Gene: RAD50 (RAD50 double strand break repair protein; plus strand). Cytogenetic location: 5q31.1.
Variant type: single nucleotide variant.
Coding change: c.692A>T on transcript NM_005732.4 (MANE Select); coding-DNA position 692, A replaced by T.
Protein change: p.Glu231Val; replaces glutamic acid 231 with valine.
Molecular consequence: missense variant.
Genome position (GRCh38, 1-based): chr5:132,580,002, A>T. VCF-style: chr5-132580002-A-T. GRCh37 (hg19) VCF-style: chr5-131915694-A-T.
Other names: short protein forms E231V.
Identifiers: ClinVar variation 480486 (VCV000480486.5), dbSNP rs757472687, ClinGen allele CA3405012.

ClinVar aggregate classification (germline): Uncertain significance (1 of 4 stars; one submission).

Conditions:
Hereditary cancer-predisposing syndrome. Also called: Hereditary Cancer Syndrome; Neoplastic Syndromes, Hereditary; Tumor predisposition; Hereditary neoplastic syndrome. Identifiers: Orphanet 140162, MedGen C0027672, MeSH D009386, MONDO:0015356.

Allele frequency attached by ClinVar (database versions not stated): gnomAD exomes below 0.00001.
gnomAD v4.1: 2 of 1,613,450 alleles (0.00012%); highest among the groups gnomAD compares: Non-Finnish European, 0.00017%; no homozygotes.

Submission:

Ambry Genetics
Classification: Uncertain significance for Hereditary cancer-predisposing syndrome. Last evaluated: 2017-05-01. Review status: criteria provided, single submitter. Criteria: Ambry Variant Classification Scheme 2023. Collection method: clinical testing. Allele origin: germline.
Comment: The p.E231V variant (also known as c.692A>T), located in coding exon 5 of the RAD50 gene, results from an A to T substitution at nucleotide position 692. The glutamic acid at codon 231 is replaced by valine, an amino acid with dissimilar properties. This amino acid position is highly conserved in available vertebrate species. In addition, the in silico prediction for this alteration is inconclusive. Since supporting evidence is limited at this time, the clinical significance of this alteration remains unclear.